The following is an entry in ClinVar:

ClinVar aggregate classification (germline): Uncertain significance. Review status: criteria provided, multiple submitters, no conflicts (2 of 4 stars). 3 submissions from 2 submitters: Uncertain significance (3). Last evaluated 2022-01-14.

Conditions:
Hereditary cancer-predisposing syndrome. Also called: Neoplastic Syndromes, Hereditary; Tumor predisposition; Hereditary Cancer Syndrome; Hereditary neoplastic syndrome. Identifiers: Orphanet 140162, MedGen C0027672, MeSH D009386, MONDO:0015356.
Cardiovascular phenotype. Identifiers: MedGen CN230736.

Submissions (3):

Ambry Genetics
Classification: Uncertain significance for Cardiovascular phenotype; Hereditary cancer-predisposing syndrome. Last evaluated: 2022-01-14. Review status: criteria provided, single submitter. Criteria: Ambry Variant Classification Scheme 2023. Collection method: clinical testing. Allele origin: germline.

GeneDx
Classification: Uncertain significance. Last evaluated: 2017-07-31. Review status: criteria provided, single submitter. Criteria: GeneDx Variant Classification (06012015). Collection method: clinical testing. Allele origin: germline. Affected: yes.
Comment: This variant is denoted NF1 c.734G>T at the cDNA level, p.Cys245Phe (C245F) at the protein level, and results in the change of a Cysteine to a Phenylalanine (TGT>TTT). This variant has not, to our knowledge, been published in the literature as pathogenic or benign. NF1 Cys245Phe was not observed in large population cohorts (NHLBI Exome Sequencing Project, The 1000 Genomes Consortium 2015, Lek 2016). Since Cysteine and Phenylalanine differ in polarity, charge, size or other properties, this is considered a non-conservative amino acid substitution. NF1 Cys245Phe occurs at a position that is conserved in mammals and is not located in a known functional domain. In silico analyses predict that this variant is probably damaging to protein structure and function. Based on currently available evidence, it is unclear whether NF1 Cys245Phe is a pathogenic or benign variant. We consider it to be a variant of uncertain significance.

Ambry Genetics
Classification: Uncertain significance for Hereditary cancer-predisposing syndrome. Last evaluated: 2015-09-05. Review status: criteria provided, single submitter. Criteria: Ambry Autosomal Dominant and X-Linked criteria (10/2015). Collection method: clinical testing. Allele origin: germline. Observed: 1 variant allele.
Comment: The p.C245F variant (also known as c.734G>T), located in coding exon 8 of the NF1 gene, results from a G to T substitution at nucleotide position 734. The cysteine at codon 245 is replaced by phenylalanine, an amino acid with highly dissimilar properties. This variant was not reported in population based cohorts in the following databases: Database of Single Nucleotide Polymorphisms (dbSNP), NHLBI Exome Sequencing Project (ESP), and 1000 Genomes Project. In the ESP, this variant was not observed in 6503 samples (13006 alleles) with coverage at this position. To date, this alteration has been detected with an allele frequency of approximately 0.002% (greater than 55000alleles tested) in our clinical cohort.This amino acid position is well conserved in available vertebrate species. In addition, the in silico prediction for this alteration is inconclusive.Since supporting evidence is limited at this time, the clinical significance of p.C245Fremains unclear.

NM_001042492.3(NF1):c.734G>T (p.Cys245Phe)

Gene: NF1 (neurofibromin 1; plus strand). Cytogenetic location: 17q11.2.
Variant type: single nucleotide variant.
Coding change: c.734G>T on transcript NM_001042492.3 (MANE Select); coding-DNA position 734, G replaced by T.
Protein change: p.Cys245Phe; replaces cysteine 245 with phenylalanine.
Molecular consequence: missense variant.
Genome position (GRCh38, 1-based): chr17:31,182,511, G>T. VCF-style: chr17-31182511-G-T. GRCh37 (hg19) VCF-style: chr17-29509529-G-T.
Other names: c.734G>T, p.Cys245Phe (NM_000267.4, NM_001128147.3); short protein forms C245F.
Identifiers: ClinVar variation 233749 (VCV000233749.4), dbSNP rs587781869, ClinGen allele CA10580200.